The following is an entry in ClinVar:

ClinVar aggregate classification (germline): Likely benign. Review status: criteria provided, single submitter (1 of 4 stars). 2 submissions from 2 submitters: Likely benign (1). 1 of the submissions does not count toward it. Last evaluated 2026-01-12.

Conditions:
TOE1-related disorder. Also called: TOE1-related condition.

Allele frequency attached by ClinVar (database versions not stated): gnomAD exomes 0.00002; ExAC 0.00006; gnomAD 0.00019; ESP Exome Variant Server 0.00023; TOPMed 0.00023.
gnomAD v4.1: 64 of 1,614,208 alleles (0.004%); highest among the groups gnomAD compares: African/African-American, 0.076%; no homozygotes.

Submissions (2):

Labcorp Genetics (formerly Invitae), Labcorp
Classification: Likely benign. Last evaluated: 2026-01-12. Review status: criteria provided, single submitter. Criteria: Invitae Variant Classification Sherloc (09022015). Collection method: clinical testing. Allele origin: germline.

PreventionGenetics, part of Exact Sciences
Classification: Likely benign for TOE1-related condition. Last evaluated: 2019-12-04. Review status: no assertion criteria provided. Collection method: clinical testing. Allele origin: germline. Not counted in ClinVar's aggregate classification.
Comment: This variant is classified as likely benign based on ACMG/AMP sequence variant interpretation guidelines (Richards et al. 2015 PMID: 25741868, with internal and published modifications).

NM_025077.4(TOE1):c.168G>A (p.Lys56=)

Gene: TOE1 (target of EGR1, exonuclease; plus strand). Cytogenetic location: 1p34.1.
Variant type: single nucleotide variant.
Coding change: c.168G>A on transcript NM_025077.4 (MANE Select); coding-DNA position 168, G replaced by A.
Protein change: p.Lys56=; no amino-acid change (lysine 56 retained).
Molecular consequence: synonymous variant.
Genome position (GRCh38, 1-based): chr1:45,341,188, G>A. VCF-style: chr1-45341188-G-A. GRCh37 (hg19) VCF-style: chr1-45806860-G-A.
Other names: c.168G>A (NM_025077.3).
Identifiers: ClinVar variation 2198480 (VCV002198480.6), dbSNP rs138744943, ClinGen allele CA826462.